The following is an entry in ClinVar:

ClinVar aggregate classification (germline): Uncertain significance (1 of 4 stars; one submission).

Conditions:
Cystic fibrosis (CF). Also called: MUCOVISCIDOSIS. Identifiers: Orphanet 586, MedGen C0010674, MONDO:0009061, OMIM 219700. Disease mechanism: loss of function.

Submission:

Ambry Genetics
Classification: Uncertain significance for Cystic fibrosis. Last evaluated: 2023-03-05. Review status: criteria provided, single submitter. Criteria: Ambry Variant Classification Scheme 2023. Collection method: clinical testing. Allele origin: germline.
Comment: The p.I906N variant (also known as c.2717T>A), located in coding exon 17 of the CFTR gene, results from a T to A substitution at nucleotide position 2717. The isoleucine at codon 906 is replaced by asparagine, an amino acid with dissimilar properties. This amino acid position is conserved. In addition, the in silico prediction for this alteration is inconclusive. Since supporting evidence is limited at this time, the clinical significance of this alteration remains unclear.

NM_000492.4(CFTR):c.2717T>A (p.Ile906Asn)

Gene: CFTR (CF transmembrane conductance regulator; plus strand). Cytogenetic location: 7q31.2.
Variant type: single nucleotide variant.
Coding change: c.2717T>A on transcript NM_000492.4 (MANE Select); coding-DNA position 2717, T replaced by A.
Protein change: p.Ile906Asn; replaces isoleucine 906 with asparagine.
Molecular consequence: missense variant.
Genome position (GRCh38, 1-based): chr7:117,603,591, T>A. VCF-style: chr7-117603591-T-A. GRCh37 (hg19) VCF-style: chr7-117243645-T-A.
Other names: short protein forms I906N.
Identifiers: ClinVar variation 2453667 (VCV002453667.2), dbSNP rs2485121849, ClinGen allele CA368986497.